The following is an entry in ClinVar:

NM_002168.4(IDH2):c.65C>T (p.Ala22Val)

Genes: IDH2 (isocitrate dehydrogenase (NADP(+)) 2; minus strand), IDH2-DT (IDH2 divergent transcript; plus strand). Cytogenetic location: 15q26.1.
Variant type: single nucleotide variant.
Coding change: c.65C>T on transcript NM_002168.4 (MANE Select); coding-DNA position 65, C replaced by T.
Protein change: p.Ala22Val; replaces alanine 22 with valine.
Molecular consequence: missense variant. On other transcripts: non-coding transcript variant (1), 5 prime UTR variant (1).
Genome position (GRCh38, 1-based): chr15:90,102,326, G>A on the plus strand (C>T on the coding strand, the complement: IDH2 is on the minus strand). VCF-style: chr15-90102326-G-A. GRCh37 (hg19) VCF-style: chr15-90645558-G-A.
Other names: c.-68C>T (NM_001290114.2); short protein forms A22V.
Identifiers: ClinVar variation 1521608 (VCV001521608.7), dbSNP rs770871840, ClinGen allele CA7733290.

ClinVar aggregate classification (germline): Conflicting classifications of pathogenicity. Review status: criteria provided, conflicting classifications (1 of 4 stars). 2 submissions from 2 submitters: Uncertain significance (1); Likely benign (1). Last evaluated 2025-06-09.

Conditions:
D-2-hydroxyglutaric aciduria 2 (D2HGA2). Identifiers: Orphanet 79315, MedGen C3150909, MONDO:0013345, OMIM 613657.

Allele frequency attached by ClinVar (database versions not stated): gnomAD 0.00004 and 0.00005; TOPMed 0.00004; gnomAD exomes 0.00014; ExAC 0.00015.
gnomAD v4.1: 194 of 1,360,448 alleles (0.014%); highest among the groups gnomAD compares: Non-Finnish European, 0.018%; no homozygotes.

Submissions (2):

Labcorp Genetics (formerly Invitae), Labcorp
Classification: Uncertain significance for D-2-hydroxyglutaric aciduria 2. Last evaluated: 2025-06-09. Review status: criteria provided, single submitter. Criteria: Invitae Variant Classification Sherloc (09022015). Collection method: clinical testing. Allele origin: germline.
Comment: This sequence change replaces alanine, which is neutral and non-polar, with valine, which is neutral and non-polar, at codon 22 of the IDH2 protein (p.Ala22Val). The frequency data for this variant in the population databases is considered unreliable, as metrics indicate poor data quality at this position in the gnomAD database. This variant has not been reported in the literature in individuals affected with IDH2-related conditions. ClinVar contains an entry for this variant (Variation ID: 1521608). An algorithm developed to predict the effect of missense changes on protein structure and function (PolyPhen-2) suggests that this variant is likely to be tolerated. In summary, the available evidence is currently insufficient to determine the role of this variant in disease. Therefore, it has been classified as a Variant of Uncertain Significance.

Blueprint Genetics
Classification: Likely benign. Last evaluated: 2020-03-25. Review status: criteria provided, single submitter. Criteria: ACMG Guidelines, 2015. Collection method: clinical testing. Allele origin: germline.